The following is an entry in ClinVar:

ClinVar aggregate classification (germline): Uncertain significance (1 of 4 stars; one submission).

Conditions:
Cardiovascular phenotype. Identifiers: MedGen CN230736.

gnomAD v4.1: 1 of 1,211,928 alleles (0.000083%); no homozygotes.

Submission:

Ambry Genetics
Classification: Uncertain significance for Cardiovascular phenotype. Last evaluated: 2023-11-21. Review status: criteria provided, single submitter. Criteria: Ambry Variant Classification Scheme 2023. Collection method: clinical testing. Allele origin: germline.
Comment: The p.R358L variant (also known as c.1073G>T), located in coding exon 7 of the BGN gene, results from a G to T substitution at nucleotide position 1073. The arginine at codon 358 is replaced by leucine, an amino acid with dissimilar properties. This amino acid position is conserved. In addition, this alteration is predicted to be tolerated by in silico analysis. Since supporting evidence is limited at this time, the clinical significance of this alteration remains unclear.

NM_001711.6(BGN):c.1073G>T (p.Arg358Leu)

Gene: BGN (biglycan; plus strand). Cytogenetic location: Xq28.
Variant type: single nucleotide variant.
Coding change: c.1073G>T on transcript NM_001711.6 (MANE Select); coding-DNA position 1073, G replaced by T.
Protein change: p.Arg358Leu; replaces arginine 358 with leucine.
Molecular consequence: missense variant.
Genome position (GRCh38, 1-based): chrX:153,508,411, G>T. VCF-style: chrX-153508411-G-T. GRCh37 (hg19) VCF-style: chrX-152773869-G-T.
Other names: short protein forms R358L.
Identifiers: ClinVar variation 3221765 (VCV003221765.1), dbSNP rs1387553935, ClinGen allele CA415071984.
Genomic context (GRCh38, chrX:153,508,411, plus strand): 5'-TCAACAACCCCGTGCCCTACTGGGAGGTGCAGCCGGCCACTTTCCGCTGCGTCACTGACC[G>T]CCTGGCCATCCAGTTTGGCAACTACAAAAAGTAGAGGCAGCTGCAGCCACCGCGGGGCCT-3'
Protein context (NP_001702.1, residues 348-368): QPATFRCVTD[Arg358Leu]LAIQFGNYKK